The following is an entry in ClinVar:

ClinVar aggregate classification (germline): Uncertain significance (1 of 4 stars; one submission).

Conditions:
Multiple congenital anomalies-hypotonia-seizures syndrome 1 (MCAHS1). Also called: GLYCOSYLPHOSPHATIDYLINOSITOL BIOSYNTHESIS DEFECT 3; PIGN-CDG; Congenital disorder of glycosylation due to PIGN deficiency. Identifiers: Orphanet 280633, MedGen C3279775, MONDO:0013563, OMIM 614080.

Submission:

3billion
Classification: Uncertain significance for Multiple congenital anomalies-hypotonia-seizures syndrome 1. Last evaluated: 2025-07-08. Review status: criteria provided, single submitter. Criteria: ACMG Guidelines, 2015. Collection method: clinical testing. Allele origin: germline. Affected: yes.
Comment: The variant is observed at an extremely low frequency in the gnomAD v4.1.0 dataset (total allele frequency: <0.001%). Predicted Consequence/Location: Canonical splice site: predicted to alter splicing and result in a loss or disruption of normal protein function. Multiple pathogenic loss-of-function variants are reported downstream of the variant. Therefore, this variant is classified as Likely pathogenic according to the recommendation of ACMG/AMP guideline.

NM_176787.5(PIGN):c.1023+3A>G

Gene: PIGN (phosphatidylinositol glycan anchor biosynthesis class N; minus strand). Cytogenetic location: 18q21.33.
Variant type: single nucleotide variant.
Coding change: c.1023+3A>G on transcript NM_176787.5 (MANE Select); 3 bases into the intron after coding-DNA position 1023, A replaced by G.
Molecular consequence: intron variant.
Genome position (GRCh38, 1-based): chr18:62,140,417, T>C on the plus strand (A>G on the coding strand, the complement: PIGN is on the minus strand). VCF-style: chr18-62140417-T-C. GRCh37 (hg19) VCF-style: chr18-59807650-T-C.
Other names: c.1023+3A>G (NM_001438910.1, NM_012327.6, NM_001438896.1 and 2 more transcripts).
Identifiers: ClinVar variation 4854454 (VCV004854454.1).
Genomic context (GRCh38, chr18:62,140,417, plus strand): 5'-ACATTTTACTGTGCGATAGTTTTTTTTTATACTGAGAGTTGATAATAAAATTTTATTCCT[T>C]ACCACTGAGTTAAGAGGAAAGGGAACTCCAATAAGGGAAGTCATCAATGGTGCAATATCA-3'